The following is an entry in ClinVar:

ClinVar aggregate classification (germline): Conflicting classifications of pathogenicity. Review status: criteria provided, conflicting classifications (1 of 4 stars). 2 submissions from 2 submitters: Uncertain significance (1); Likely benign (1). Last evaluated 2024-01-12.

Conditions:
Mitochondrial DNA depletion syndrome 13. Also called: FBXL4-Related Encephalomyopathic Mitochondrial DNA Depletion Syndrome; Mitochondrial DNA depletion syndrome 13 (encephalomyopathic type). Identifiers: Orphanet 369897, MedGen C3809592, MONDO:0014198, OMIM 615471.

gnomAD v4.1: 3 of 1,566,298 alleles (0.00019%); no homozygotes.

Submissions (2):

Labcorp Genetics (formerly Invitae), Labcorp
Classification: Likely benign. Last evaluated: 2024-01-12. Review status: criteria provided, single submitter. Criteria: Invitae Variant Classification Sherloc (09022015). Collection method: clinical testing. Allele origin: germline.

Wong Mito Lab, Molecular and Human Genetics, Baylor College of Medicine
Classification: Uncertain significance for Mitochondrial DNA depletion syndrome 13. Last evaluated: 2017-08-10. Review status: criteria provided, single submitter. Criteria: ACMG Guidelines, 2015. Collection method: reference population. Allele origin: germline.
Comment: The NM_012160.4:c.513-13C>G (NP_036292.2:p.=) [GRCH38: NC_000006.12:g.98917732G>C] variant in FBXL4 gene is interpretated to be a Uncertain Significance - Insufficient Evidence based on ACMG guidelines (PMID: 25741868). This variant meets one or more of the following evidence codes reported in the ACMG-guideline. PM2:This variant is absent in key population databases. Based on this evidence code ClinGen Pathogenicity Calculator (PMID:28081714) suggested that the variant is Uncertain Significance - Insufficient Evidence.

NM_001278716.2(FBXL4):c.513-13C>G

Gene: FBXL4 (F-box and leucine rich repeat protein 4; minus strand). Cytogenetic location: 6q16.2.
Variant type: single nucleotide variant.
Coding change: c.513-13C>G on transcript NM_001278716.2 (MANE Select); 13 bases into the intron before coding-DNA position 513, C replaced by G.
Molecular consequence: intron variant.
Genome position (GRCh38, 1-based): chr6:98,917,732, G>C on the plus strand (C>G on the coding strand, the complement: FBXL4 is on the minus strand). VCF-style: chr6-98917732-G-C. GRCh37 (hg19) VCF-style: chr6-99365608-G-C.
Other names: c.513-13C>G (NM_012160.5).
Identifiers: ClinVar variation 437588 (VCV000437588.5), dbSNP rs200592647, ClinGen allele CA3933666.